The following is an entry in ClinVar:

ClinVar aggregate classification (germline): Uncertain significance (1 of 4 stars; one submission).

Submission:

GeneDx
Classification: Uncertain significance. Last evaluated: 2025-04-02. Review status: criteria provided, single submitter. Criteria: GeneDx Variant Classification Process June 2021. Collection method: clinical testing. Allele origin: germline. Affected: yes.
Comment: Frameshift variant predicted to result in abnormal protein length as the last 191 amino acids are replaced with 31 different amino acids; Not observed at significant frequency in large population cohorts (gnomAD); Has not been previously published as pathogenic or benign to our knowledge

NM_182972.3(IRF2BP2):c.1191del (p.Phe397fs)

Gene: IRF2BP2 (interferon regulatory factor 2 binding protein 2; minus strand). Cytogenetic location: 1q42.3.
Variant type: Deletion.
Coding change: c.1191del on transcript NM_182972.3 (MANE Select); coding-DNA position 1191, one base deleted (T; older notation c.1191delT).
Protein change: p.Phe397fs; shifts the reading frame from phenylalanine 397.
Molecular consequence: frameshift variant.
Genome position (GRCh38, 1-based): chr1:234,607,710, A deleted on the plus strand (T on the coding strand, the reverse complement: IRF2BP2 is on the minus strand); the first of 4 consecutive A bases (chr1:234,607,710-234,607,713); deleting any one gives the same sequence. VCF-style (leftmost placement, unchanged base first): chr1-234607709-CA-C. GRCh37 (hg19) VCF-style: chr1-234743455-CA-C.
Other names: c.1143del, p.Phe381fs (NM_001077397.1); short protein forms F381fs, F397fs.
Identifiers: ClinVar variation 4278505 (VCV004278505.1).